The following is an entry in ClinVar:

NM_002294.3(LAMP2):c.46C>T (p.Leu16=)

Gene: LAMP2 (lysosome associated membrane protein 2; minus strand). Cytogenetic location: Xq24.
Variant type: single nucleotide variant.
Coding change: c.46C>T on transcript NM_002294.3 (MANE Select); coding-DNA position 46, C replaced by T.
Protein change: p.Leu16=; no amino-acid change (leucine 16 retained).
Molecular consequence: synonymous variant.
Genome position (GRCh38, 1-based): chrX:120,469,124, G>A on the plus strand (C>T on the coding strand, the complement: LAMP2 is on the minus strand). VCF-style: chrX-120469124-G-A. GRCh37 (hg19) VCF-style: chrX-119602979-G-A.
Other names: c.46C>T, p.Leu16= (NM_001122606.1, NM_013995.2).
Identifiers: ClinVar variation 2661329 (VCV002661329.24), dbSNP rs2520947964, ClinGen allele CA518411633.
Genomic context (GRCh38, chrX:120,469,124, plus strand): 5'-GGCCCAGGCGGACAGACTAATCGGGAGGGCCCGACAACTCACCCAGGACTAGGCAGACCA[G>A]AACGAGCCCTGAGCCCGGAACCGGGAAGAGGCGGAAGCACACCATGACCCCGCAGAGCAG-3'
Protein context (NP_002285.1, residues 6-26): LFPVPGSGLV[Leu16=]VCLVLGAVRS

ClinVar aggregate classification (germline): Likely benign (1 of 4 stars; one submission).

Submission:

CeGaT Center for Human Genetics Tuebingen
Classification: Likely benign. Last evaluated: 2022-11-01. Review status: criteria provided, single submitter. Criteria: CeGaT Center For Human Genetics Tuebingen Variant Classification Criteria Version 2. Collection method: clinical testing. Allele origin: germline. Affected: yes. Observed: 1 variant allele.
Comment: LAMP2: PM2:Supporting, BP4, BP7